The following is an entry in ClinVar:

NM_024685.4(BBS10):c.527C>T (p.Ala176Val)

Gene: BBS10 (Bardet-Biedl syndrome 10; minus strand). Cytogenetic location: 12q21.2.
Variant type: single nucleotide variant.
Coding change: c.527C>T on transcript NM_024685.4 (MANE Select); coding-DNA position 527, C replaced by T.
Protein change: p.Ala176Val; replaces alanine 176 with valine.
Molecular consequence: missense variant.
Genome position (GRCh38, 1-based): chr12:76,347,458, G>A on the plus strand (C>T on the coding strand, the complement: BBS10 is on the minus strand). VCF-style: chr12-76347458-G-A. GRCh37 (hg19) VCF-style: chr12-76741238-G-A.
Other names: short protein forms A176V.
Identifiers: ClinVar variation 5037210 (VCV005037210.1).

ClinVar aggregate classification (germline): Uncertain significance (1 of 4 stars; one submission).

gnomAD v4.1: 1 of 1,613,568 alleles (0.000062%); highest among the groups gnomAD compares: African/African-American, 0.0013%; no homozygotes.

Submission:

GeneDx
Classification: Uncertain significance. Last evaluated: 2026-04-17. Review status: criteria provided, single submitter. Criteria: GeneDx Variant Classification Process June 2021. Collection method: clinical testing. Allele origin: germline.
Comment: Not observed at significant frequency in large population cohorts (gnomAD); In silico analysis suggests that this missense variant does not alter protein structure/function; Has not been previously published as pathogenic or benign to our knowledge